The following is an entry in ClinVar:

ClinVar aggregate classification (germline): Uncertain significance (1 of 4 stars; one submission).

Submission:

GeneDx
Classification: Uncertain significance. Last evaluated: 2026-03-16. Review status: criteria provided, single submitter. Criteria: GeneDx Variant Classification Process June 2021. Collection method: clinical testing. Allele origin: germline.
Comment: Not observed at significant frequency in large population cohorts (gnomAD); In silico analysis supports a deleterious effect on splicing; Has not been previously published as pathogenic or benign to our knowledge; Reported using an alternate transcript of the gene

NM_021120.4(DLG3):c.1773+796G>C

Gene: DLG3 (discs large MAGUK scaffold protein 3; plus strand). Cytogenetic location: Xq13.1.
Variant type: single nucleotide variant.
Coding change: c.1773+796G>C on transcript NM_021120.4 (MANE Select); 796 bases into the intron after coding-DNA position 1773, G replaced by C.
Molecular consequence: intron variant. On other transcripts: missense variant (2).
Genome position (GRCh38, 1-based): chrX:70,493,392, G>C. VCF-style: chrX-70493392-G-C. GRCh37 (hg19) VCF-style: chrX-69713242-G-C.
Other names: c.341G>C, p.Arg114Pro (NM_001166278.2); c.779G>C, p.Arg260Pro (NM_020730.3); short protein forms R260P, R114P.
Identifiers: ClinVar variation 5008617 (VCV005008617.1).
Genomic context (GRCh38, chrX:70,493,392, plus strand): 5'-TTTTTTCTTCTGTCCTTCCCCTCCATCTTCATGTTCTTTCACAGTCGATCAAAACGAAAC[G>C]TAAAAAGAGTTTCCGCCTCTCTCGAAAGTTTCCATTTTACAAGAGCAAAGAAAACATGGC-3'